The following is an entry in ClinVar:

NM_145059.3(FCSK):c.1114C>G (p.Leu372Val)

Gene: FCSK (fucose kinase; plus strand). Cytogenetic location: 16q22.1.
Variant type: single nucleotide variant.
Coding change: c.1114C>G on transcript NM_145059.3 (MANE Select); coding-DNA position 1114, C replaced by G.
Protein change: p.Leu372Val; replaces leucine 372 with valine.
Molecular consequence: missense variant.
Genome position (GRCh38, 1-based): chr16:70,471,016, C>G. VCF-style: chr16-70471016-C-G. GRCh37 (hg19) VCF-style: chr16-70504919-C-G.
Other names: short protein forms L372V.
Identifiers: ClinVar variation 2170029 (VCV002170029.4), dbSNP rs1461632469, ClinGen allele CA396567911.

ClinVar aggregate classification (germline): Uncertain significance (1 of 4 stars; one submission).

Allele frequency attached by ClinVar (database versions not stated): TOPMed 0.00001.

Submission:

Labcorp Genetics (formerly Invitae), Labcorp
Classification: Uncertain significance. Last evaluated: 2025-05-18. Review status: criteria provided, single submitter. Criteria: Invitae Variant Classification Sherloc (09022015). Collection method: clinical testing. Allele origin: germline.
Comment: This sequence change replaces leucine, which is neutral and non-polar, with valine, which is neutral and non-polar, at codon 372 of the FUK protein (p.Leu372Val). This variant is present in population databases (no rsID available, gnomAD no frequency). This variant has not been reported in the literature in individuals affected with FUK-related conditions. ClinVar contains an entry for this variant (Variation ID: 2170029). An algorithm developed to predict the effect of missense changes on protein structure and function (PolyPhen-2) suggests that this variant is likely to be disruptive. In summary, the available evidence is currently insufficient to determine the role of this variant in disease. Therefore, it has been classified as a Variant of Uncertain Significance.